The following is an entry in ClinVar:

ClinVar aggregate classification (germline): Benign. Review status: criteria provided, single submitter (1 of 4 stars). 2 submissions from 2 submitters: Benign (1). 1 of the submissions does not count toward it. Last evaluated 2024-08-20.

Allele frequency attached by ClinVar (database versions not stated): gnomAD 0.00001; TOPMed 0.00002; gnomAD exomes 0.00005 and 0.00009; ExAC 0.00015; 1000 Genomes Project 30x 0.00016; 1000 Genomes Project 0.00020.

Submissions (2):

Labcorp Genetics (formerly Invitae), Labcorp
Classification: Benign. Last evaluated: 2024-08-20. Review status: criteria provided, single submitter. Criteria: Invitae Variant Classification Sherloc (09022015). Collection method: clinical testing. Allele origin: germline.

Department of Pathology and Laboratory Medicine, Sinai Health System
Classification: Likely benign. Review status: no assertion criteria provided. Collection method: clinical testing. Allele origin: unknown. Affected: yes. Study: The Canadian Open Genetics Repository (COGR). Not counted in ClinVar's aggregate classification.
Comment: The HIVEP2 p.M1611K variant was not identified in the literature nor was it identified in ClinVar. The variant was identified in dbSNP (ID: rs201466143 and in control databases in 23 of 249348 chromosomes (1 homozygous) at a frequency of 0.00009224 (Genome Aggregation Database March 6, 2019, v2.1.1). This frequency is greater than expected for the rare, autosomal dominant Mental retardation, autosomal dominant 43 condition associated with HIVEP2 variants. The p.M1611 residue is conserved in mammals however computational analyses (MUT Assesor, PolyPhen-2, SIFT, MutationTaster, Revel, FATHMM, MetaLR, DANN) do not suggest a high likelihood of impact to the protein; this information is not predictive enough to rule out pathogenicity. The variant occurs outside of the splicing consensus sequence and in silico or computational prediction software programs (Splice AI exome) do not predict a deleterious effect on splicing. In summary, based on the above information the clinical significance of this variant cannot be determined with certainty at this time although we would lean towards a more benign role for this variant. This variant is classified as likely benign.

NM_006734.4(HIVEP2):c.4832T>A (p.Met1611Lys)

Gene: HIVEP2 (HIVEP zinc finger 2; minus strand). Cytogenetic location: 6q24.2.
Variant type: single nucleotide variant.
Coding change: c.4832T>A on transcript NM_006734.4 (MANE Select); coding-DNA position 4832, T replaced by A.
Protein change: p.Met1611Lys; replaces methionine 1611 with lysine.
Molecular consequence: missense variant.
Genome position (GRCh38, 1-based): chr6:142,769,907, A>T on the plus strand (T>A on the coding strand, the complement: HIVEP2 is on the minus strand). VCF-style: chr6-142769907-A-T. GRCh37 (hg19) VCF-style: chr6-143091044-A-T.
Other names: short protein forms M1611K.
Identifiers: ClinVar variation 1050617 (VCV001050617.6), dbSNP rs201466143, ClinGen allele CA4027999.
Genomic context (GRCh38, chr6:142,769,907, plus strand): 5'-TCTGCCATGTCCGTGAGAAGAAGAGTTGAGTCTGCCACGTTCCCGCTGGGGGCAGAGGCC[A>T]TGCGGACCAGCATGCCAACAGGCCGCTTGTGGCCCTTCCCTTCCTCTTCCAGCTGACCAT-3'
Protein context (NP_006725.3, residues 1601-1621): HKRPVGMLVR[Met1611Lys]ASAPSGNVAD